The following is an entry in ClinVar:

ClinVar aggregate classification (germline): Uncertain significance (1 of 4 stars; one submission).

Submission:

Labcorp Genetics (formerly Invitae), Labcorp
Classification: Uncertain significance. Last evaluated: 2022-05-01. Review status: criteria provided, single submitter. Criteria: Invitae Variant Classification Sherloc (09022015). Collection method: clinical testing. Allele origin: germline.
Comment: In summary, the available evidence is currently insufficient to determine the role of this variant in disease. Therefore, it has been classified as a Variant of Uncertain Significance. Algorithms developed to predict the effect of missense changes on protein structure and function are either unavailable or do not agree on the potential impact of this missense change (SIFT: "Tolerated"; PolyPhen-2: "Probably Damaging"; Align-GVGD: "Class C0"). This variant has not been reported in the literature in individuals affected with ELP1-related conditions. This variant is not present in population databases (gnomAD no frequency). This sequence change replaces alanine, which is neutral and non-polar, with threonine, which is neutral and polar, at codon 1221 of the ELP1 protein (p.Ala1221Thr).

NM_003640.5(ELP1):c.3661G>A (p.Ala1221Thr)

Gene: ELP1 (elongator acetyltransferase complex subunit 1; minus strand). Cytogenetic location: 9q31.3.
Variant type: single nucleotide variant.
Coding change: c.3661G>A on transcript NM_003640.5 (MANE Select); coding-DNA position 3661, G replaced by A.
Protein change: p.Ala1221Thr; replaces alanine 1221 with threonine.
Molecular consequence: missense variant.
Genome position (GRCh38, 1-based): chr9:108,878,662, C>T on the plus strand (G>A on the coding strand, the complement: ELP1 is on the minus strand). VCF-style: chr9-108878662-C-T. GRCh37 (hg19) VCF-style: chr9-111640942-C-T.
Other names: c.3319G>A, p.Ala1107Thr (NM_001318360.2); c.2614G>A, p.Ala872Thr (NM_001330749.2); short protein forms A1107T, A1221T, A872T.
Identifiers: ClinVar variation 1915805 (VCV001915805.5), dbSNP rs2537856242, ClinGen allele CA374411285.